The following is an entry in ClinVar:

NM_002474.3(MYH11):c.4899C>T (p.Ala1633=)

Genes: NDE1 (nudE neurodevelopment protein 1; plus strand), MYH11 (myosin heavy chain 11; minus strand). Cytogenetic location: 16p13.11.
Variant type: single nucleotide variant.
Coding change: c.4899C>T on transcript NM_002474.3 (MANE Select); coding-DNA position 4899, C replaced by T.
Protein change: p.Ala1633=; no amino-acid change (alanine 1633 retained).
Molecular consequence: synonymous variant. On other transcripts: intron variant (2).
Genome position (GRCh38, 1-based): chr16:15,720,205, G>A on the plus strand (C>T on the coding strand, the complement: MYH11 is on the minus strand). VCF-style: chr16-15720205-G-A. GRCh37 (hg19) VCF-style: chr16-15814062-G-A.
Other names: c.4920C>T, p.Ala1640= (NM_001040113.2, NM_001040114.2); c.4899C>T, p.Ala1633= (NM_022844.3); c.948-3986G>A (NM_001143979.2, NM_017668.3).
Identifiers: ClinVar variation 318104 (VCV000318104.27), dbSNP rs760584464, ClinGen allele CA7921516.

ClinVar aggregate classification (germline): Conflicting classifications of pathogenicity. Review status: criteria provided, conflicting classifications (1 of 4 stars). 7 submissions from 7 submitters: Uncertain significance (1); Likely benign (5). 1 of the submissions does not count toward it. Last evaluated 2025-10-06.

Conditions:
Familial thoracic aortic aneurysm and aortic dissection (TAAD). Also called: Thoracic aortic aneurysms and dissections. Identifiers: Orphanet 91387, MedGen C4707243, MONDO:0019625.
Aortic aneurysm, familial thoracic 4 (AAT4). Also called: AORTIC ANEURYSM/AORTIC DISSECTION AND PATENT DUCTUS ARTERIOSUS. Identifiers: MedGen C1851504, MONDO:0007568, OMIM 132900.
MYH11-related disorder. Also called: MYH11-related condition.

Allele frequency attached by ClinVar (database versions not stated): ExAC 0.00001; gnomAD exomes 0.00001; TOPMed 0.00002.
gnomAD v4.1: 15 of 1,613,950 alleles (0.00093%); highest among the groups gnomAD compares: East Asian, 0.0045%; no homozygotes.

Submissions (7):

Labcorp Genetics (formerly Invitae), Labcorp
Classification: Likely benign for Aortic aneurysm, familial thoracic 4. Last evaluated: 2025-10-06. Review status: criteria provided, single submitter. Criteria: Invitae Variant Classification Sherloc (09022015). Collection method: clinical testing. Allele origin: germline.

All of Us Research Program, National Institutes of Health
Classification: Likely benign for Familial thoracic aortic aneurysm and aortic dissection. Last evaluated: 2023-11-30. Review status: criteria provided, single submitter. Criteria: ACMG Guidelines, 2015. Collection method: clinical testing. Allele origin: germline. Inheritance: Autosomal dominant inheritance. Observed: 5 variant alleles, 5 heterozygotes.
Comment: This study involves interpretation of variants in research participants for the purpose of population health screening. Participant phenotype was not available at the time of variant classification. Additional details can be found in publication PMID: 35346344, PMCID: PMC8962531

Ambry Genetics
Classification: Likely benign for Familial thoracic aortic aneurysm and aortic dissection. Last evaluated: 2023-05-07. Review status: criteria provided, single submitter. Criteria: Ambry Variant Classification Scheme 2023. Collection method: clinical testing. Allele origin: germline.

GeneDx
Classification: Likely benign. Last evaluated: 2021-01-26. Review status: criteria provided, single submitter. Criteria: GeneDx Variant Classification Process June 2021. Collection method: clinical testing. Allele origin: germline. Affected: yes.

Color Diagnostics, LLC DBA Color Health
Classification: Likely benign for Familial thoracic aortic aneurysm and aortic dissection. Last evaluated: 2019-11-12. Review status: criteria provided, single submitter. Criteria: ACMG Guidelines, 2015. Collection method: clinical testing. Allele origin: germline.

Illumina Laboratory Services, Illumina
Classification: Uncertain significance for Aortic aneurysm, familial thoracic 4. Last evaluated: 2018-01-13. Review status: criteria provided, single submitter. Criteria: ICSL Variant Classification Criteria 13 December 2019. Collection method: clinical testing. Allele origin: germline.

PreventionGenetics, part of Exact Sciences
Classification: Likely benign for MYH11-related condition. Last evaluated: 2023-12-07. Review status: no assertion criteria provided. Collection method: clinical testing. Allele origin: germline. Not counted in ClinVar's aggregate classification.
Comment: This variant is classified as likely benign based on ACMG/AMP sequence variant interpretation guidelines (Richards et al. 2015 PMID: 25741868, with internal and published modifications).